The following is an entry in ClinVar:

ClinVar aggregate classification (germline): Likely benign (0 of 4 stars; one submission).

Conditions:
TLL1-related disorder. Also called: TLL1-related condition.

Allele frequency attached by ClinVar (database versions not stated): gnomAD exomes 0.00018; ExAC 0.00059; 1000 Genomes Project 0.00140; 1000 Genomes Project 30x 0.00156; TOPMed 0.00188; gnomAD 0.00189; ESP Exome Variant Server 0.00231.
gnomAD v4.1: 545 of 1,614,168 alleles (0.034%); highest among the groups gnomAD compares: African/African-American, 0.67%; 5 homozygotes.

Submission:

PreventionGenetics, part of Exact Sciences
Classification: Likely benign for TLL1-related condition. Last evaluated: 2019-04-25. Review status: no assertion criteria provided. Collection method: clinical testing. Allele origin: germline.
Comment: This variant is classified as likely benign based on ACMG/AMP sequence variant interpretation guidelines (Richards et al. 2015 PMID: 25741868, with internal and published modifications).

NM_012464.5(TLL1):c.1437T>G (p.Pro479=)

Genes: TLL1 (tolloid like 1; plus strand), LOC126807212 (BRD4-independent group 4 enhancer GRCh37_chr4:166963784-166964983; plus strand). Cytogenetic location: 4q32.3.
Variant type: single nucleotide variant.
Coding change: c.1437T>G on transcript NM_012464.5 (MANE Select); coding-DNA position 1437, T replaced by G.
Protein change: p.Pro479=; no amino-acid change (proline 479 retained).
Molecular consequence: synonymous variant.
Genome position (GRCh38, 1-based): chr4:166,043,332, T>G. VCF-style: chr4-166043332-T-G. GRCh37 (hg19) VCF-style: chr4-166964484-T-G.
Identifiers: ClinVar variation 3037651 (VCV003037651.2), dbSNP rs115164532, ClinGen allele CA3130904.
Genomic context (GRCh38, chr4:166,043,332, plus strand): 5'-AGCGATCTGTGGAGGTGAGATACGTAAAAATGAAGGACAGATTCAGTCTCCCAATTATCC[T>G]GATGACTATCGCCCGATGAAAGAATGTGTGTGGAAAATAACAGTGTCTGAGAGCTACCAC-3'
Protein context (NP_036596.3, residues 469-489): NEGQIQSPNY[Pro479=]DDYRPMKECV